The following is an entry in ClinVar:

NM_032043.3(BRIP1):c.2259T>A (p.Asp753Glu)

Gene: BRIP1 (BRCA1 interacting DNA helicase 1; minus strand). Cytogenetic location: 17q23.2.
Variant type: single nucleotide variant.
Coding change: c.2259T>A on transcript NM_032043.3 (MANE Select); coding-DNA position 2259, T replaced by A.
Protein change: p.Asp753Glu; replaces aspartic acid 753 with glutamic acid.
Molecular consequence: missense variant.
Genome position (GRCh38, 1-based): chr17:61,743,133, A>T on the plus strand (T>A on the coding strand, the complement: BRIP1 is on the minus strand). VCF-style: chr17-61743133-A-T. GRCh37 (hg19) VCF-style: chr17-59820494-A-T.
Other names: short protein forms D753E.
Identifiers: ClinVar variation 970575 (VCV000970575.11), dbSNP rs2077009355, ClinGen allele CA400482766.

ClinVar aggregate classification (germline): Uncertain significance. Review status: criteria provided, multiple submitters, no conflicts (2 of 4 stars). 2 submissions from 2 submitters: Uncertain significance (2). Last evaluated 2024-12-09.

Conditions:
Fanconi anemia complementation group J. Also called: BRIP1-Related Fanconi Anemia. Identifiers: Orphanet 84, MedGen C1836860, MONDO:0012187, OMIM 609054.
Familial cancer of breast. Also called: BREAST CANCER, FAMILIAL; Hereditary breast cancer; hereditary breast carcinoma. Identifiers: Orphanet 227535, MedGen C0346153, MONDO:0016419, OMIM 114480. Disease mechanism: loss of function.
Hereditary cancer-predisposing syndrome. Also called: Hereditary neoplastic syndrome; Hereditary Cancer Syndrome; Tumor predisposition; Neoplastic Syndromes, Hereditary. Identifiers: Orphanet 140162, MedGen C0027672, MeSH D009386, MONDO:0015356.

Submissions (2):

Ambry Genetics
Classification: Uncertain significance for Hereditary cancer-predisposing syndrome. Last evaluated: 2024-12-09. Review status: criteria provided, single submitter. Criteria: Ambry Variant Classification Scheme 2023. Collection method: clinical testing. Allele origin: germline.
Comment: The p.D753E variant (also known as c.2259T>A), located in coding exon 15 of the BRIP1 gene, results from a T to A substitution at nucleotide position 2259. The aspartic acid at codon 753 is replaced by glutamic acid, an amino acid with highly similar properties. This amino acid position is highly conserved in available vertebrate species. In addition, the in silico prediction for this alteration is inconclusive. Based on the available evidence, the clinical significance of this variant remains unclear.

Labcorp Genetics (formerly Invitae), Labcorp
Classification: Uncertain significance for Familial cancer of breast; Fanconi anemia complementation group J. Last evaluated: 2021-08-14. Review status: criteria provided, single submitter. Criteria: Invitae Variant Classification Sherloc (09022015). Collection method: clinical testing. Allele origin: germline.
Comment: This sequence change replaces aspartic acid with glutamic acid at codon 753 of the BRIP1 protein (p.Asp753Glu). The aspartic acid residue is highly conserved and there is a small physicochemical difference between aspartic acid and glutamic acid. This variant is not present in population databases (ExAC no frequency). This variant has not been reported in the literature in individuals with BRIP1-related conditions. Algorithms developed to predict the effect of missense changes on protein structure and function are either unavailable or do not agree on the potential impact of this missense change (SIFT: "Tolerated"; PolyPhen-2: "Probably Damaging"; Align-GVGD: "Class C0"). Algorithms developed to predict the effect of sequence changes on RNA splicing suggest that this variant may create or strengthen a splice site, but this prediction has not been confirmed by published transcriptional studies. In summary, the available evidence is currently insufficient to determine the role of this variant in disease. Therefore, it has been classified as a Variant of Uncertain Significance.